The following is an entry in ClinVar:

ClinVar aggregate classification (germline): Likely benign (0 of 4 stars; one submission).

Conditions:
CCDC18-related disorder. Also called: CCDC18-related condition.

Allele frequency attached by ClinVar (database versions not stated): gnomAD exomes 0.00007; ExAC 0.00028; 1000 Genomes Project 0.00060; 1000 Genomes Project 30x 0.00062; ESP Exome Variant Server 0.00068; TOPMed 0.00102; gnomAD 0.00105.
gnomAD v4.1: 269 of 1,578,408 alleles (0.017%); highest among the groups gnomAD compares: African/African-American, 0.33%; no homozygotes.

Submission:

PreventionGenetics, part of Exact Sciences
Classification: Likely benign for CCDC18-related condition. Last evaluated: 2019-11-25. Review status: no assertion criteria provided. Collection method: clinical testing. Allele origin: germline.
Comment: This variant is classified as likely benign based on ACMG/AMP sequence variant interpretation guidelines (Richards et al. 2015 PMID: 25741868, with internal and published modifications).

NM_001378204.1(CCDC18):c.2010A>G (p.Glu670=)

Gene: CCDC18 (coiled-coil domain containing 18; plus strand). Cytogenetic location: 1p22.1.
Variant type: single nucleotide variant.
Coding change: c.2010A>G on transcript NM_001378204.1 (MANE Select); coding-DNA position 2010, A replaced by G.
Protein change: p.Glu670=; no amino-acid change (glutamic acid 670 retained).
Molecular consequence: synonymous variant.
Genome position (GRCh38, 1-based): chr1:93,221,656, A>G. VCF-style: chr1-93221656-A-G. GRCh37 (hg19) VCF-style: chr1-93687213-A-G.
Other names: c.2007A>G, p.Glu669= (NM_001306076.1); c.2010A>G, p.Glu670= (NM_206886.4).
Identifiers: ClinVar variation 3048752 (VCV003048752.2), dbSNP rs201591350, ClinGen allele CA954157.